The following is an entry in ClinVar:

ClinVar aggregate classification (germline): Uncertain significance (1 of 4 stars; one submission).

Conditions:
Cardiovascular phenotype. Identifiers: MedGen CN230736.

Submission:

Ambry Genetics
Classification: Uncertain significance for Cardiovascular phenotype. Last evaluated: 2025-12-11. Review status: criteria provided, single submitter. Criteria: Ambry Variant Classification Scheme 2023. Collection method: clinical testing. Allele origin: germline.
Comment: The p.T10P variant (also known as c.28A>C), located in coding exon 1 of the SNTA1 gene, results from an A to C substitution at nucleotide position 28. The threonine at codon 10 is replaced by proline, an amino acid with highly similar properties. This amino acid position is conserved. In addition, this alteration is predicted to be tolerated by in silico analysis. Based on the available evidence, the clinical significance of this variant remains unclear.

NM_003098.3(SNTA1):c.28A>C (p.Thr10Pro)

Genes: SNTA1 (syntrophin alpha 1; minus strand), LOC130065680 (ATAC-STARR-seq lymphoblastoid silent region 12812; plus strand). Cytogenetic location: 20q11.21.
Variant type: single nucleotide variant.
Coding change: c.28A>C on transcript NM_003098.3 (MANE Select); coding-DNA position 28, A replaced by C.
Protein change: p.Thr10Pro; replaces threonine 10 with proline.
Molecular consequence: missense variant.
Genome position (GRCh38, 1-based): chr20:33,443,593, T>G on the plus strand (A>C on the coding strand, the complement: SNTA1 is on the minus strand). VCF-style: chr20-33443593-T-G. GRCh37 (hg19) VCF-style: chr20-32031399-T-G.
Other names: c.28A>C, p.Thr10Pro (NM_001424413.1, NM_001424414.1); short protein forms T10P.
Identifiers: ClinVar variation 4614967 (VCV004614967.1).